The following is an entry in ClinVar:

NM_015404.4(WHRN):c.2641G>A (p.Ala881Thr)

Gene: WHRN (whirlin; minus strand). Cytogenetic location: 9q32.
Variant type: single nucleotide variant.
Coding change: c.2641G>A on transcript NM_015404.4 (MANE Select); coding-DNA position 2641, G replaced by A.
Protein change: p.Ala881Thr; replaces alanine 881 with threonine.
Molecular consequence: missense variant.
Genome position (GRCh38, 1-based): chr9:114,402,837, C>T on the plus strand (G>A on the coding strand, the complement: WHRN is on the minus strand). VCF-style: chr9-114402837-C-T. GRCh37 (hg19) VCF-style: chr9-117165117-C-T.
Other names: c.1492G>A, p.Ala498Thr (NM_001083885.3); c.2638G>A, p.Ala880Thr (NM_001173425.2); c.1588G>A, p.Ala530Thr (NM_001346890.1); short protein forms A498T, A530T, A880T, A881T.
Identifiers: ClinVar variation 1011840 (VCV001011840.4), dbSNP rs200551948, ClinGen allele CA5205563.

ClinVar aggregate classification (germline): Uncertain significance (1 of 4 stars; one submission).

Allele frequency attached by ClinVar (database versions not stated): ExAC 0.00003; TOPMed 0.00005; 1000 Genomes Project 30x 0.00016; 1000 Genomes Project 0.00020; ESP Exome Variant Server 0.00008; gnomAD 0.00005.
gnomAD v4.1: 47 of 1,614,114 alleles (0.0029%); highest among the groups gnomAD compares: Admixed American, 0.0083%; no homozygotes.

Submission:

Labcorp Genetics (formerly Invitae), Labcorp
Classification: Uncertain significance. Last evaluated: 2022-10-04. Review status: criteria provided, single submitter. Criteria: Invitae Variant Classification Sherloc (09022015). Collection method: clinical testing. Allele origin: germline.
Comment: This sequence change replaces alanine, which is neutral and non-polar, with threonine, which is neutral and polar, at codon 881 of the WHRN protein (p.Ala881Thr). This variant is present in population databases (rs200551948, gnomAD 0.005%). This variant has not been reported in the literature in individuals affected with WHRN-related conditions. ClinVar contains an entry for this variant (Variation ID: 1011840). Algorithms developed to predict the effect of missense changes on protein structure and function are either unavailable or do not agree on the potential impact of this missense change (SIFT: "Deleterious"; PolyPhen-2: "Probably Damaging"; Align-GVGD: "Class C0"). In summary, the available evidence is currently insufficient to determine the role of this variant in disease. Therefore, it has been classified as a Variant of Uncertain Significance.